The following is an entry in ClinVar:

NM_001371623.1(TCOF1):c.2926G>A (p.Ala976Thr)

Gene: TCOF1 (treacle ribosome biogenesis factor 1; plus strand). Cytogenetic location: 5q32.
Variant type: single nucleotide variant.
Coding change: c.2926G>A on transcript NM_001371623.1 (MANE Select); coding-DNA position 2926, G replaced by A.
Protein change: p.Ala976Thr; replaces alanine 976 with threonine.
Molecular consequence: missense variant.
Genome position (GRCh38, 1-based): chr5:150,387,968, G>A. VCF-style: chr5-150387968-G-A. GRCh37 (hg19) VCF-style: chr5-149767531-G-A.
Other names: c.2695G>A, p.Ala899Thr (NM_000356.4, NM_001135245.2); c.2926G>A, p.Ala976Thr (NM_001135243.2, NM_001135244.2, NM_001195141.2); short protein forms A899T, A976T.
Identifiers: ClinVar variation 3175320 (VCV003175320.3), dbSNP rs376523159, ClinGen allele CA3511341.

ClinVar aggregate classification (germline): Conflicting classifications of pathogenicity. Review status: criteria provided, conflicting classifications (1 of 4 stars). 3 submissions from 3 submitters: Uncertain significance (2); Likely benign (1). Last evaluated 2025-11-04.

Conditions:
Inborn genetic diseases. Identifiers: MedGen C0950123, MeSH D030342.
TCOF1-related disorder. Also called: TCOF1-related condition.
Treacher Collins syndrome 1 (TCS1). Also called: TCOF1-Related Treacher Collins Syndrome. Identifiers: Orphanet 861, MedGen CN315775, MONDO:0007944, OMIM 154500.

Allele frequency attached by ClinVar (database versions not stated): gnomAD 0.00003; TOPMed 0.00003; ESP Exome Variant Server 0.00008; ExAC 0.00009.
gnomAD v4.1: 42 of 1,613,786 alleles (0.0026%); highest among the groups gnomAD compares: African/African-American, 0.004%; no homozygotes.

Submissions (3):

Labcorp Genetics (formerly Invitae), Labcorp
Classification: Uncertain significance for Treacher Collins syndrome 1. Last evaluated: 2025-11-04. Review status: criteria provided, single submitter. Criteria: Invitae Variant Classification Sherloc (09022015). Collection method: clinical testing. Allele origin: germline.
Comment: This sequence change replaces alanine, which is neutral and non-polar, with threonine, which is neutral and polar, at codon 976 of the TCOF1 protein (p.Ala976Thr). This variant is present in population databases (rs376523159, gnomAD 0.009%). This variant has not been reported in the literature in individuals affected with TCOF1-related conditions. ClinVar contains an entry for this variant (Variation ID: 3175320). An algorithm developed to predict the effect of missense changes on protein structure and function outputs the following: PolyPhen-2: "Benign". The threonine amino acid residue is found in multiple mammalian species, which suggests that this missense change does not adversely affect protein function. In summary, the available evidence is currently insufficient to determine the role of this variant in disease. Therefore, it has been classified as a Variant of Uncertain Significance.

PreventionGenetics, part of Exact Sciences
Classification: Uncertain significance for TCOF1-related condition. Last evaluated: 2025-03-25. Review status: criteria provided, single submitter. Criteria: ACMG Guidelines, 2015. Collection method: clinical testing. Allele origin: germline.
Comment: The TCOF1 c.2926G>A variant is predicted to result in the amino acid substitution p.Ala976Thr. To our knowledge, this variant has not been reported in the literature. This variant is reported in 0.0080% of alleles in individuals of European (Finnish) descent in gnomAD. At this time, the clinical significance of this variant is uncertain due to the absence of conclusive functional and genetic evidence.

Ambry Genetics
Classification: Likely benign for Inborn genetic diseases. Last evaluated: 2024-03-12. Review status: criteria provided, single submitter. Criteria: Ambry Variant Classification Scheme 2023. Collection method: clinical testing. Allele origin: germline.